The following is an entry in ClinVar:

ClinVar aggregate classification (germline): Uncertain significance (1 of 4 stars; one submission).

Submission:

GeneDx
Classification: Uncertain significance. Last evaluated: 2022-03-29. Review status: criteria provided, single submitter. Criteria: GeneDx Variant Classification Process June 2021. Collection method: clinical testing. Allele origin: germline. Affected: yes.
Comment: Not observed at significant frequency in large population cohorts (gnomAD); Frameshift variant predicted to result in protein truncation or nonsense mediated decay in a gene or region of a gene for which loss of function is not a well-established mechanism of disease; Has not been previously published as pathogenic or benign to our knowledge

NM_001303256.3(MORC2):c.2331dup (p.Asp778fs)

Gene: MORC2 (MORC family CW-type zinc finger 2; minus strand). Cytogenetic location: 22q12.2.
Variant type: Duplication.
Coding change: c.2331dup on transcript NM_001303256.3 (MANE Select); coding-DNA position 2331, one base duplicated (A; older notation c.2331dupA).
Protein change: p.Asp778fs; shifts the reading frame from aspartic acid 778.
Molecular consequence: frameshift variant.
Genome position (GRCh38, 1-based): chr22:30,933,515, T duplicated on the plus strand (A on the coding strand, the reverse complement: MORC2 is on the minus strand). VCF-style (leftmost placement, unchanged base first): chr22-30933514-C-CT. GRCh37 (hg19) VCF-style: chr22-31329501-C-CT.
Other names: c.2331dup, p.Asp778fs (NM_001303257.2); c.2145dup, p.Asp716fs (NM_014941.3); short protein forms D716fs, D778fs.
Identifiers: ClinVar variation 1707968 (VCV001707968.2), dbSNP rs2517573583, ClinGen allele CA2580099637.